The following is an entry in ClinVar:

NM_032043.3(BRIP1):c.2098-16T>C

Gene: BRIP1 (BRCA1 interacting DNA helicase 1; minus strand). Cytogenetic location: 17q23.2.
Variant type: single nucleotide variant.
Coding change: c.2098-16T>C on transcript NM_032043.3 (MANE Select); 16 bases into the intron before coding-DNA position 2098, T replaced by C.
Molecular consequence: intron variant.
Genome position (GRCh38, 1-based): chr17:61,744,607, A>G on the plus strand (T>C on the coding strand, the complement: BRIP1 is on the minus strand). VCF-style: chr17-61744607-A-G. GRCh37 (hg19) VCF-style: chr17-59821968-A-G.
Identifiers: ClinVar variation 1451788 (VCV001451788.11), dbSNP rs2144702212, ClinGen allele CA2573154302.

ClinVar aggregate classification (germline): Likely benign. Review status: criteria provided, multiple submitters, no conflicts (2 of 4 stars). 3 submissions from 3 submitters: Likely benign (3). Last evaluated 2025-12-16.

Conditions:
Familial cancer of breast. Also called: hereditary breast carcinoma; BREAST CANCER, FAMILIAL; Hereditary breast cancer. Identifiers: Orphanet 227535, MedGen C0346153, MONDO:0016419, OMIM 114480. Disease mechanism: loss of function.
Fanconi anemia complementation group J. Also called: BRIP1-Related Fanconi Anemia. Identifiers: Orphanet 84, MedGen C1836860, MONDO:0012187, OMIM 609054.

Submissions (3):

Labcorp Genetics (formerly Invitae), Labcorp
Classification: Likely benign for Familial cancer of breast; Fanconi anemia complementation group J. Last evaluated: 2025-12-16. Review status: criteria provided, single submitter. Criteria: Invitae Variant Classification Sherloc (09022015). Collection method: clinical testing. Allele origin: germline.

Myriad Genetics, Inc.
Classification: Likely benign for Familial cancer of breast. Last evaluated: 2024-09-03. Review status: criteria provided, single submitter. Criteria: Myriad Autosomal Dominant, Autosomal Recessive and X-Linked Classification Criteria (2023). Collection method: clinical testing. Allele origin: unknown.
Comment: This variant is considered likely benign. This variant is intronic and is not expected to impact mRNA splicing.

Blueprint Genetics
Classification: Likely benign. Last evaluated: 2023-10-25. Review status: criteria provided, single submitter. Criteria: ACMG Guidelines, 2015. Collection method: clinical testing. Allele origin: germline.